The following is an entry in ClinVar:

ClinVar aggregate classification (germline): Uncertain significance (1 of 4 stars; one submission).

gnomAD v4.1: 1 of 1,614,000 alleles (0.000062%); highest among the groups gnomAD compares: Admixed American, 0.0017%; no homozygotes.

Submission:

Labcorp Genetics (formerly Invitae), Labcorp
Classification: Uncertain significance. Last evaluated: 2026-01-12. Review status: criteria provided, single submitter. Criteria: Invitae Variant Classification Sherloc (09022015). Collection method: clinical testing. Allele origin: germline.
Comment: This sequence change replaces serine, which is neutral and polar, with threonine, which is neutral and polar, at codon 1028 of the FLNB protein (p.Ser1028Thr). This variant is not present in population databases (gnomAD no frequency). This variant has not been reported in the literature in individuals affected with FLNB-related conditions. Invitae Evidence Modeling of protein sequence and biophysical properties (such as structural, functional, and spatial information, amino acid conservation, physicochemical variation, residue mobility, and thermodynamic stability) indicates that this missense variant is not expected to disrupt FLNB protein function with a negative predictive value of 95%. In summary, the available evidence is currently insufficient to determine the role of this variant in disease. Therefore, it has been classified as a Variant of Uncertain Significance.

NM_001457.4(FLNB):c.3083G>C (p.Ser1028Thr)

Gene: FLNB (filamin B; plus strand). Cytogenetic location: 3p14.3.
Variant type: single nucleotide variant.
Coding change: c.3083G>C on transcript NM_001457.4 (MANE Select); coding-DNA position 3083, G replaced by C.
Protein change: p.Ser1028Thr; replaces serine 1028 with threonine.
Molecular consequence: missense variant.
Genome position (GRCh38, 1-based): chr3:58,121,460, G>C. VCF-style: chr3-58121460-G-C. GRCh37 (hg19) VCF-style: chr3-58107187-G-C.
Other names: c.3083G>C, p.Ser1028Thr (NM_001164317.2, NM_001164318.2, NM_001164319.2); short protein forms S1028T.
Identifiers: ClinVar variation 4801702 (VCV004801702.1).
Genomic context (GRCh38, chr3:58,121,460, plus strand): 5'-CTCGGGAGGAGGGGCTGTATGCTGTAGACGTGACCTACGATGGACACCCTGTGCCCGGGA[G>C]CCCCTACACAGTGGAGGCCTCGCTGCCACCAGATCCCAGCAAGGTCAGCCTTTGCTTTTG-3'
Protein context (NP_001448.2, residues 1018-1038): VTYDGHPVPG[Ser1028Thr]PYTVEASLPP